The following is an entry in ClinVar:

NM_170707.4(LMNA):c.1822G>T (p.Gly608Cys)

Gene: LMNA (lamin A/C; plus strand). Cytogenetic location: 1q22.
Variant type: single nucleotide variant.
Coding change: c.1822G>T on transcript NM_170707.4 (MANE Select); coding-DNA position 1822, G replaced by T.
Protein change: p.Gly608Cys; replaces glycine 608 with cysteine.
Molecular consequence: missense variant. On other transcripts: intron variant (1).
Genome position (GRCh38, 1-based): chr1:156,138,611, G>T. VCF-style: chr1-156138611-G-T. GRCh37 (hg19) VCF-style: chr1-156108402-G-T.
Other names: c.1486G>T, p.Gly496Cys (NM_001257374.3); c.1732G>T, p.Gly578Cys (NM_170708.4); c.1818+4G>T (NM_001282626.2); short protein forms G578C, G496C, G608C.
Identifiers: ClinVar variation 806245 (VCV000806245.58), dbSNP rs61064130, ClinGen allele CA342827089.
Genomic context (GRCh38, chr1:156,138,611, plus strand): 5'-TGCGGGACCTGCGGGCAGCCTGCCGACAAGGCATCTGCCAGCGGCTCAGGAGCCCAGGTG[G>T]GCGGACCCATCTCCTCTGGCTCTTCTGCCTCCAGTGTCACGGTCACTCGCAGCTACCGCA-3'
Protein context (NP_733821.1, residues 598-618): ASASGSGAQV[Gly608Cys]GPISSGSSAS

ClinVar aggregate classification (germline): Uncertain significance. Review status: criteria provided, multiple submitters, no conflicts (2 of 4 stars). 3 submissions from 3 submitters: Uncertain significance (3). Last evaluated 2025-12-03.

Conditions:
Cardiomyopathy (CMYO). Also called: Cardiomyopathies. Identifiers: Orphanet 167848, MedGen C0878544, MONDO:0004994, HP:0001638. Inheritance: Various modes of inheritance.
Charcot-Marie-Tooth disease type 2. Also called: Charcot-Marie-Tooth type 2. Identifiers: Orphanet 64746, MedGen C0270914, MONDO:0018993.

Allele frequency attached by ClinVar (database versions not stated): gnomAD exomes 0.00001; gnomAD 0.00001; TOPMed below 0.00001.
gnomAD v4.1: 9 of 1,612,898 alleles (0.00056%); highest among the groups gnomAD compares: Non-Finnish European, 0.00076%; no homozygotes.

Submissions (3):

Labcorp Genetics (formerly Invitae), Labcorp
Classification: Uncertain significance for Charcot-Marie-Tooth disease type 2. Last evaluated: 2025-12-03. Review status: criteria provided, single submitter. Criteria: Invitae Variant Classification Sherloc (09022015). Collection method: clinical testing. Allele origin: germline.
Comment: This sequence change replaces glycine, which is neutral and non-polar, with cysteine, which is neutral and slightly polar, at codon 608 of the LMNA protein (p.Gly608Cys). The frequency data for this variant in the population databases is considered unreliable, as metrics indicate poor data quality at this position in the gnomAD database. This variant has not been reported in the literature in individuals affected with LMNA-related conditions. ClinVar contains an entry for this variant (Variation ID: 806245). Invitae Evidence Modeling of protein sequence and biophysical properties (such as structural, functional, and spatial information, amino acid conservation, physicochemical variation, residue mobility, and thermodynamic stability) indicates that this missense variant is expected to disrupt LMNA protein function with a positive predictive value of 95%. In summary, the available evidence is currently insufficient to determine the role of this variant in disease. Therefore, it has been classified as a Variant of Uncertain Significance.

Revvity Omics, Revvity
Classification: Uncertain significance. Last evaluated: 2025-05-02. Review status: criteria provided, single submitter. Criteria: ACMG Guidelines, 2015. Collection method: clinical testing. Allele origin: germline.

Color Diagnostics, LLC DBA Color Health
Classification: Uncertain significance for Cardiomyopathy. Last evaluated: 2024-09-30. Review status: criteria provided, single submitter. Criteria: ACMG Guidelines, 2015. Collection method: clinical testing. Allele origin: germline.
Comment: This missense variant replaces glycine with cysteine at codon 608 of the LMNA protein. Computational prediction suggests that this variant may not impact protein structure and function. This variant represents a single nucleotide substitution in the 3' untranslated region of the lamin C transcript (ENST00000361308: c.*847G>T). To our knowledge, functional studies have not been reported for this variant. This variant has not been reported in individuals affected with LMNA-related disorders in the literature. This variant has not been identified in the general population by the Genome Aggregation Database (gnomAD). The available evidence is insufficient to determine the role of this variant in disease conclusively. Therefore, this variant is classified as a Variant of Uncertain Significance.